The following is an entry in ClinVar:

NM_001148.6(ANK2):c.1863C>T (p.Ser621=)

Gene: ANK2 (ankyrin 2; plus strand). Cytogenetic location: 4q26.
Variant type: single nucleotide variant.
Coding change: c.1863C>T on transcript NM_001148.6 (MANE Select); coding-DNA position 1863, C replaced by T.
Protein change: p.Ser621=; no amino-acid change (serine 621 retained).
Molecular consequence: synonymous variant. On other transcripts: intron variant (10).
Genome position (GRCh38, 1-based): chr4:113,278,540, C>T. VCF-style: chr4-113278540-C-T. GRCh37 (hg19) VCF-style: chr4-114199696-C-T.
Other names: c.1800C>T, p.Ser600= (NM_001127493.3, NM_001354239.2, NM_001354243.2 and 10 more transcripts); c.1863C>T, p.Ser621= (NM_001354225.2, NM_001354228.2, NM_001354232.2 and 6 more transcripts); c.1908C>T, p.Ser636= (NM_001354230.2, NM_001354231.2, NM_001354237.2 and 5 more transcripts); c.1776C>T, p.Ser592= (NM_001354249.2, NM_001354264.2, NM_001354266.2 and 10 more transcripts); c.1821C>T, p.Ser607= (NM_001354261.2, NM_001386147.1, NM_001386160.1); c.1653C>T, p.Ser551= (NM_001354269.3); c.1665C>T, p.Ser555= (NM_001354273.2); c.1578C>T, p.Ser526= (NM_001354277.2, NM_001386157.1); and 8 more.
Identifiers: ClinVar variation 1781540 (VCV001781540.29), dbSNP rs146425138, ClinGen allele CA3050388.

ClinVar aggregate classification (germline): Likely benign. Review status: criteria provided, multiple submitters, no conflicts (2 of 4 stars). 3 submissions from 3 submitters: Likely benign (3). Last evaluated 2023-06-07.

Conditions:
Long QT syndrome (LQTS). Identifiers: MedGen C0023976, MeSH D008133, MONDO:0002442. Disease mechanism: loss of function. Inheritance: Various modes of inheritance.
Cardiovascular phenotype. Identifiers: MedGen CN230736.

gnomAD v4.1: 8 of 1,613,818 alleles (0.0005%); highest among the groups gnomAD compares: East Asian, 0.013%; no homozygotes.

Submissions (3):

Labcorp Genetics (formerly Invitae), Labcorp
Classification: Likely benign for Long QT syndrome. Last evaluated: 2023-06-07. Review status: criteria provided, single submitter. Criteria: Invitae Variant Classification Sherloc (09022015). Collection method: clinical testing. Allele origin: germline.

CeGaT Center for Human Genetics Tuebingen
Classification: Likely benign. Last evaluated: 2022-10-01. Review status: criteria provided, single submitter. Criteria: CeGaT Center For Human Genetics Tuebingen Variant Classification Criteria Version 2. Collection method: clinical testing. Allele origin: germline. Affected: yes. Observed: 1 variant allele.
Comment: ANK2: BP4, BP7

Ambry Genetics
Classification: Likely benign for Cardiovascular phenotype. Last evaluated: 2021-03-06. Review status: criteria provided, single submitter. Criteria: Ambry Variant Classification Scheme 2023. Collection method: clinical testing. Allele origin: germline.